The following is an entry in ClinVar:

ClinVar aggregate classification (germline): Uncertain significance. Review status: criteria provided, multiple submitters, no conflicts (2 of 4 stars). 2 submissions from 2 submitters: Uncertain significance (2). Last evaluated 2025-02-08.

Allele frequency attached by ClinVar (database versions not stated): TOPMed below 0.00001; gnomAD 0.00001.

Submissions (2):

Ambry Genetics
Classification: Uncertain significance. Last evaluated: 2025-02-08. Review status: criteria provided, single submitter. Criteria: Ambry Variant Classification Scheme 2023. Collection method: clinical testing. Allele origin: germline.

Labcorp Genetics (formerly Invitae), Labcorp
Classification: Uncertain significance. Last evaluated: 2023-12-05. Review status: criteria provided, single submitter. Criteria: Invitae Variant Classification Sherloc (09022015). Collection method: clinical testing. Allele origin: germline.
Comment: This sequence change replaces histidine, which is basic and polar, with tyrosine, which is neutral and polar, at codon 241 of the BMP7 protein (p.His241Tyr). This variant is not present in population databases (gnomAD no frequency). This variant has not been reported in the literature in individuals affected with BMP7-related conditions. An algorithm developed to predict the effect of missense changes on protein structure and function (PolyPhen-2) suggests that this variant is likely to be tolerated. In summary, the available evidence is currently insufficient to determine the role of this variant in disease. Therefore, it has been classified as a Variant of Uncertain Significance.

NM_001719.3(BMP7):c.721C>T (p.His241Tyr)

Gene: BMP7 (bone morphogenetic protein 7; minus strand). Cytogenetic location: 20q13.31.
Variant type: single nucleotide variant.
Coding change: c.721C>T on transcript NM_001719.3 (MANE Select); coding-DNA position 721, C replaced by T.
Protein change: p.His241Tyr; replaces histidine 241 with tyrosine.
Molecular consequence: missense variant.
Genome position (GRCh38, 1-based): chr20:57,202,514, G>A on the plus strand (C>T on the coding strand, the complement: BMP7 is on the minus strand). VCF-style: chr20-57202514-G-A. GRCh37 (hg19) VCF-style: chr20-55777570-G-A.
Other names: c.721C>T (NM_001719.2); short protein forms H241Y.
Identifiers: ClinVar variation 2800720 (VCV002800720.4), dbSNP rs1984645530, ClinGen allele CA409702675.